The following is an entry in ClinVar:

NM_022836.4(DCLRE1B):c.77T>G (p.Leu26Arg)

Gene: DCLRE1B (DNA cross-link repair 1B; plus strand). Cytogenetic location: 1p13.2.
Variant type: single nucleotide variant.
Coding change: c.77T>G on transcript NM_022836.4 (MANE Select); coding-DNA position 77, T replaced by G.
Protein change: p.Leu26Arg; replaces leucine 26 with arginine.
Molecular consequence: missense variant. On other transcripts: 5 prime UTR variant (3).
Genome position (GRCh38, 1-based): chr1:113,905,663, T>G. VCF-style: chr1-113905663-T-G. GRCh37 (hg19) VCF-style: chr1-114448285-T-G.
Other names: c.77T>G, p.Leu26Arg (LRG_1219t1, NM_001363690.2); c.-136T>G (NM_001319946.2, NM_001319947.2, NM_001363691.2); short protein forms L26R.
Identifiers: ClinVar variation 465151 (VCV000465151.8), dbSNP rs1553260999, ClinGen allele CA341695208.

ClinVar aggregate classification (germline): Uncertain significance (1 of 4 stars; one submission).

Conditions:
Hoyeraal-Hreidarsson syndrome (HHS). Also called: CEREBELLAR HYPOPLASIA WITH PANCYTOPENIA. Identifiers: Orphanet 3322, MedGen C1846142, MONDO:0018045.
Autosomal recessive dyskeratosis congenita. Identifiers: MedGen C3502105.

Submission:

Labcorp Genetics (formerly Invitae), Labcorp
Classification: Uncertain significance for Hoyeraal-Hreidarsson syndrome; Autosomal recessive dyskeratosis congenita. Last evaluated: 2017-07-16. Review status: criteria provided, single submitter. Criteria: Invitae Variant Classification Sherloc (09022015). Collection method: clinical testing. Allele origin: germline.
Comment: In summary, the available evidence is currently insufficient to determine the role of this variant in disease. Therefore, it has been classified as a Variant of Uncertain Significance. Algorithms developed to predict the effect of missense changes on protein structure and function (SIFT, PolyPhen-2, Align-GVGD) all suggest that this variant is likely to be disruptive, but these predictions have not been confirmed by published functional studies and their clinical significance is uncertain. This variant has not been reported in the literature in individuals with DCLRE1B-related disease. This variant is not present in population databases (ExAC no frequency). This sequence change replaces leucine with arginine at codon 26 of the DCLRE1B protein (p.Leu26Arg). The leucine residue is highly conserved and there is a moderate physicochemical difference between leucine and arginine.